The following is an entry in ClinVar:

NM_003227.4(TFR2):c.287-6C>T

Gene: TFR2 (transferrin receptor 2; minus strand). Cytogenetic location: 7q22.1.
Variant type: single nucleotide variant.
Coding change: c.287-6C>T on transcript NM_003227.4 (MANE Select); 6 bases into the intron before coding-DNA position 287, C replaced by T.
Molecular consequence: intron variant.
Genome position (GRCh38, 1-based): chr7:100,640,878, G>A on the plus strand (C>T on the coding strand, the complement: TFR2 is on the minus strand). VCF-style: chr7-100640878-G-A. GRCh37 (hg19) VCF-style: chr7-100238501-G-A.
Other names: c.287-6C>T (NM_003227.3).
Identifiers: ClinVar variation 1101304 (VCV001101304.11), dbSNP rs374377284, ClinGen allele CA4386881.
Genomic context (GRCh38, chr7:100,640,878, plus strand): 5'-GAGTCTCCGCACGCCTGGCAGGACCCTCGGAAGGCGACGTAGCCCAGTAGGAAGGCTGGC[G>A]GGTGGCAAGATGGGGATTCTCTTTATGCCCACCTCTGGACCCCAGAAATCTCCCCCAGCC-3'

ClinVar aggregate classification (germline): Likely benign. Review status: criteria provided, single submitter (1 of 4 stars). 2 submissions from 2 submitters: Likely benign (1). 1 of the submissions does not count toward it. Last evaluated 2025-12-02.

Conditions:
TFR2-related disorder. Also called: TFR2-related condition.
Hereditary hemochromatosis (HFE). Identifiers: MedGen C0392514, MONDO:0006507. Disease mechanism: loss of function.

Allele frequency attached by ClinVar (database versions not stated): ESP Exome Variant Server 0.00008; gnomAD 0.00015 and 0.00009; gnomAD exomes 0.00037 and 0.00015; TOPMed 0.00015; ExAC 0.00043; 1000 Genomes Project 30x 0.00047; 1000 Genomes Project 0.00040.

Submissions (2):

Labcorp Genetics (formerly Invitae), Labcorp
Classification: Likely benign for Hereditary hemochromatosis. Last evaluated: 2025-12-02. Review status: criteria provided, single submitter. Criteria: Invitae Variant Classification Sherloc (09022015). Collection method: clinical testing. Allele origin: germline.

PreventionGenetics, part of Exact Sciences
Classification: Likely benign for TFR2-related condition. Last evaluated: 2019-07-10. Review status: no assertion criteria provided. Collection method: clinical testing. Allele origin: germline. Not counted in ClinVar's aggregate classification.
Comment: This variant is classified as likely benign based on ACMG/AMP sequence variant interpretation guidelines (Richards et al. 2015 PMID: 25741868, with internal and published modifications).